The following is an entry in ClinVar:

ClinVar aggregate classification (germline): Uncertain significance (1 of 4 stars; one submission).

Allele frequency attached by ClinVar (database versions not stated): gnomAD exomes below 0.00001.
gnomAD v4.1: 1 of 1,550,176 alleles (0.000065%); highest among the groups gnomAD compares: Non-Finnish European, 0.000087%; no homozygotes.

Submission:

GeneDx
Classification: Uncertain significance. Last evaluated: 2023-05-10. Review status: criteria provided, single submitter. Criteria: GeneDx Variant Classification Process June 2021. Collection method: clinical testing. Allele origin: germline. Affected: yes.
Comment: Not observed at significant frequency in large population cohorts (gnomAD); In silico analysis supports that this missense variant does not alter protein structure/function; Has not been previously published as pathogenic or benign to our knowledge

NM_015570.4(AUTS2):c.1213A>G (p.Ser405Gly)

Gene: AUTS2 (activator of transcription and developmental regulator AUTS2; plus strand). Cytogenetic location: 7q11.22.
Variant type: single nucleotide variant.
Coding change: c.1213A>G on transcript NM_015570.4 (MANE Select); coding-DNA position 1213, A replaced by G.
Protein change: p.Ser405Gly; replaces serine 405 with glycine.
Molecular consequence: missense variant.
Genome position (GRCh38, 1-based): chr7:70,763,340, A>G. VCF-style: chr7-70763340-A-G. GRCh37 (hg19) VCF-style: chr7-70228326-A-G.
Other names: c.1213A>G, p.Ser405Gly (NM_001127231.3); short protein forms S405G.
Identifiers: ClinVar variation 2662221 (VCV002662221.1), dbSNP rs2484644355, ClinGen allele CA367668079.
Genomic context (GRCh38, chr7:70,763,340, plus strand): 5'-CAGAGCCTCTCCCAGCCATTGTCAGCCTACAACAGCAGTAGCTTAAGCCTCAACAGTTTA[A>G]GGTGAGTGGCCTGCTCTTCTTTGGCCTGACTTTTGCCCTCTCCCTGGGGATCAGGTGGGT-3'
Protein context (NP_056385.1, residues 395-415): NSSSLSLNSL[Ser405Gly]SSRSSTPAKT